The following is an entry in ClinVar:

ClinVar aggregate classification (germline): Uncertain significance (1 of 4 stars; one submission).

Submission:

GeneDx
Classification: Uncertain significance. Last evaluated: 2024-09-06. Review status: criteria provided, single submitter. Criteria: GeneDx Variant Classification Process June 2021. Collection method: clinical testing. Allele origin: germline. Affected: yes.
Comment: Not observed at significant frequency in large population cohorts (gnomAD); In-frame deletion of 4 of amino acid(s) in a non-repeat region; In silico analysis indicates that this variant does not alter protein structure/function; Has not been previously published as pathogenic or benign to our knowledge; In silico analysis is inconclusive as to whether the variant alters gene splicing. In the absence of RNA/functional studies, the actual effect of this sequence change is unknown.

NM_001136193.2(FASTKD2):c.1876_1887del (p.Thr626_Thr629del)

Gene: FASTKD2 (FAST kinase domains 2; plus strand). Cytogenetic location: 2q33.3.
Variant type: Deletion.
Coding change: c.1876_1887del on transcript NM_001136193.2 (MANE Select); coding-DNA positions 1876 to 1887, 12 bases deleted (ACTTCTGCTACA).
Protein change: p.Thr626_Thr629del.
Genome position (GRCh38, 1-based): chr2:206,788,881-206,788,892, ACTTCTGCTACA deleted; deleting any 12 consecutive bases within chr2:206,788,877-206,788,892 gives the same sequence; the c. name uses the placement nearest the transcript's 3' end. VCF-style (leftmost placement, unchanged base first): chr2-206788876-ATACAACTTCTGC-A. GRCh37 (hg19) VCF-style: chr2-207653600-ATACAACTTCTGC-A.
Other names: c.1876_1887del, p.Thr626_Thr629del (NM_001136194.2, NM_014929.4).
Identifiers: ClinVar variation 3767832 (VCV003767832.1).
Genomic context (GRCh38, chr2:206,788,876, plus strand): 5'-CAGATTTTGAAATCAGAATGGACACTAACAGGAATCAAGTGCTACCACTTTCTGATGTGG[ATACAACTTCTGC>A]TACAGATATTCAAAGGTTGCTTACATATATTTCATTTGCTGGGCTTTCTGAATTAAAATC-3'